The following is an entry in ClinVar:

ClinVar aggregate classification (germline): Benign/Likely benign. Review status: criteria provided, multiple submitters, no conflicts (2 of 4 stars). 7 submissions from 7 submitters: Benign (4); Likely benign (3). Last evaluated 2026-01-21.

Conditions:
Epidermolysis bullosa simplex with nail dystrophy (EBS5D). Identifiers: MedGen C4225309, MONDO:0014661, OMIM 616487.
Autosomal recessive limb-girdle muscular dystrophy type 2Q (LGMDR17). Also called: MUSCULAR DYSTROPHY, LIMB-GIRDLE, AUTOSOMAL RECESSIVE 17. Identifiers: Orphanet 254361, MedGen C3150989, MONDO:0013390, OMIM 613723.
Epidermolysis bullosa simplex, Ogna type (EBS5A). Also called: Pidermolysis bullosa simplex 5A, Ogna type; EPIDERMOLYSIS BULLOSA SIMPLEX 5A, OGNA TYPE. Identifiers: Orphanet 79401, MedGen C0432317, MONDO:0007555, OMIM 131950.
Epidermolysis bullosa simplex 5B, with muscular dystrophy (EBS5B). Also called: Epidermolysis bullosa simplex with muscular dystrophy; EPIDERMOLYSIS BULLOSA SIMPLEX AND LIMB-GIRDLE MUSCULAR DYSTROPHY. Identifiers: Orphanet 257, MedGen C2931072, MONDO:0009181, OMIM 226670.
Epidermolysis bullosa simplex 5C, with pyloric atresia (EBS5C). Also called: PLEC-Related Epidermolysis Bullosa with Pyloric Atresia; Epidermolysis bullosa simplex with pyloric atresia; PLEC1-Related Epidermolysis Bullosa with Pyloric Atresia. Identifiers: Orphanet 158684, MedGen C2677349, MONDO:0012807, OMIM 612138.

Allele frequency attached by ClinVar (database versions not stated): gnomAD exomes 0.00066; ExAC 0.00069; ESP Exome Variant Server 0.00190; gnomAD 0.00232 and 0.00247; TOPMed 0.00253; 1000 Genomes Project 0.00339; 1000 Genomes Project 30x 0.00390.
gnomAD v4.1: 735 of 1,612,860 alleles (0.046%); highest among the groups gnomAD compares: African/African-American, 0.84%; 1 homozygote.

Submissions (7):

Labcorp Genetics (formerly Invitae), Labcorp
Classification: Benign for Autosomal recessive limb-girdle muscular dystrophy type 2Q; Epidermolysis bullosa simplex, Ogna type; Epidermolysis bullosa simplex with nail dystrophy; Epidermolysis bullosa simplex 5C, with pyloric atresia; Epidermolysis bullosa simplex 5B, with muscular dystrophy. Last evaluated: 2026-01-21. Review status: criteria provided, single submitter. Criteria: Invitae Variant Classification Sherloc (09022015). Collection method: clinical testing. Allele origin: germline.

CeGaT Center for Human Genetics Tuebingen
Classification: Likely benign. Last evaluated: 2025-05-01. Review status: criteria provided, single submitter. Criteria: CeGaT Center For Human Genetics Tuebingen Variant Classification Criteria Version 2. Collection method: clinical testing. Allele origin: germline. Affected: yes. Observed: 1 variant allele.
Comment: PLEC: BP4, BP7

Mayo Clinic Laboratories, Mayo Clinic
Classification: Benign. Last evaluated: 2025-03-26. Review status: criteria provided, single submitter. Criteria: ACMG Guidelines, 2015. Collection method: clinical testing. Allele origin: germline. Observed: 5 variant alleles.
Comment: BA1, BP4, BP7

Blueprint Genetics
Classification: Likely benign. Last evaluated: 2024-11-07. Review status: criteria provided, single submitter. Criteria: ACMG Guidelines, 2015. Collection method: clinical testing. Allele origin: germline.

Athena Diagnostics
Classification: Benign. Last evaluated: 2021-03-22. Review status: criteria provided, single submitter. Criteria: Athena Diagnostics criteria. Collection method: clinical testing. Allele origin: unknown.

GeneDx
Classification: Likely benign. Last evaluated: 2019-04-04. Review status: criteria provided, single submitter. Criteria: GeneDx Variant Classification Process June 2021. Collection method: clinical testing. Allele origin: germline. Affected: yes.

Eurofins Ntd Llc (ga)
Classification: Benign. Last evaluated: 2016-10-18. Review status: criteria provided, single submitter. Criteria: EGL Classification Definitions 2015. Collection method: clinical testing. Allele origin: germline. Observed: 5 variant alleles, 5 heterozygotes.

NM_201384.3(PLEC):c.1956C>T (p.Thr652=)

Gene: PLEC (plectin; minus strand). Cytogenetic location: 8q24.3.
Variant type: single nucleotide variant.
Coding change: c.1956C>T on transcript NM_201384.3 (MANE Select); coding-DNA position 1956, C replaced by T.
Protein change: p.Thr652=; no amino-acid change (threonine 652 retained).
Molecular consequence: synonymous variant.
Genome position (GRCh38, 1-based): chr8:143,932,421, G>A on the plus strand (C>T on the coding strand, the complement: PLEC is on the minus strand). VCF-style: chr8-143932421-G-A. GRCh37 (hg19) VCF-style: chr8-145006589-G-A.
Other names: p.Thr638=; c.2037C>T, p.Thr679= (NM_000445.5); c.1914C>T, p.Thr638= (NM_201378.4); c.1890C>T, p.Thr630= (NM_201379.3); c.2367C>T, p.Thr789= (NM_201380.4); c.1860C>T, p.Thr620= (NM_201381.3); c.1956C>T, p.Thr652= (NM_201382.4); c.1968C>T, p.Thr656= (NM_201383.3).
Identifiers: ClinVar variation 382873 (VCV000382873.29), dbSNP rs201835507, ClinGen allele CA4927777.